The following is an entry in ClinVar:

NM_014225.6(PPP2R1A):c.807+5A>G

Gene: PPP2R1A (protein phosphatase 2 scaffold subunit Aalpha; plus strand). Cytogenetic location: 19q13.41.
Variant type: single nucleotide variant.
Coding change: c.807+5A>G on transcript NM_014225.6 (MANE Select); 5 bases into the intron after coding-DNA position 807, A replaced by G.
Molecular consequence: intron variant.
Genome position (GRCh38, 1-based): chr19:52,213,115, A>G. VCF-style: chr19-52213115-A-G. GRCh37 (hg19) VCF-style: chr19-52716368-A-G.
Other names: c.270+5A>G (NM_001363656.2).
Identifiers: ClinVar variation 4716193 (VCV004716193.1).

ClinVar aggregate classification (germline): Uncertain significance (1 of 4 stars; one submission).

gnomAD v4.1: 2 of 1,554,376 alleles (0.00013%); highest among the groups gnomAD compares: Non-Finnish European, 0.000087%; no homozygotes.

Submission:

Labcorp Genetics (formerly Invitae), Labcorp
Classification: Uncertain significance. Last evaluated: 2025-08-06. Review status: criteria provided, single submitter. Criteria: Invitae Variant Classification Sherloc (09022015). Collection method: clinical testing. Allele origin: germline.
Comment: This sequence change falls in intron 6 of the PPP2R1A gene. It does not directly change the encoded amino acid sequence of the PPP2R1A protein. It affects a nucleotide within the consensus splice site. This variant is not present in population databases (gnomAD no frequency). This variant has not been reported in the literature in individuals affected with PPP2R1A-related conditions. Variants that disrupt the consensus splice site are a relatively common cause of aberrant splicing (PMID: 17576681, 9536098). Algorithms developed to predict the effect of sequence changes on RNA splicing suggest that this variant is not likely to affect RNA splicing. In summary, the available evidence is currently insufficient to determine the role of this variant in disease. Therefore, it has been classified as a Variant of Uncertain Significance.

Literature cited by the submitters: PubMed 17576681; PubMed 9536098.